The following is an entry in ClinVar:

ClinVar aggregate classification (germline): Likely benign (0 of 4 stars; one submission).

Conditions:
ZNF407-related disorder. Also called: ZNF407-related condition.

Allele frequency attached by ClinVar (database versions not stated): gnomAD exomes below 0.00001; TOPMed below 0.00001; ExAC 0.00005; ESP Exome Variant Server 0.00022.
gnomAD v4.1: 7 of 1,551,856 alleles (0.00045%); highest among the groups gnomAD compares: South Asian, 0.0059%; no homozygotes.

Submission:

PreventionGenetics, part of Exact Sciences
Classification: Likely benign for ZNF407-related condition. Last evaluated: 2019-02-20. Review status: no assertion criteria provided. Collection method: clinical testing. Allele origin: germline.
Comment: This variant is classified as likely benign based on ACMG/AMP sequence variant interpretation guidelines (Richards et al. 2015 PMID: 25741868, with internal and published modifications).

NM_017757.3(ZNF407):c.4877+22498A>G

Gene: ZNF407 (zinc finger protein 407; plus strand). Cytogenetic location: 18q22.3.
Variant type: single nucleotide variant.
Coding change: c.4877+22498A>G on transcript NM_017757.3 (MANE Select); 22498 bases into the intron after coding-DNA position 4877, A replaced by G.
Molecular consequence: intron variant. On other transcripts: synonymous variant (1).
Genome position (GRCh38, 1-based): chr18:74,804,000, A>G. VCF-style: chr18-74804000-A-G. GRCh37 (hg19) VCF-style: chr18-72515956-A-G.
Other names: c.4914A>G, p.Pro1638= (NM_001146190.1); c.4877+22498A>G (NM_001384475.1, NM_001146189.1).
Identifiers: ClinVar variation 3047578 (VCV003047578.2), dbSNP rs372696365, ClinGen allele CA9000962.